The following is an entry in ClinVar:

ClinVar aggregate classification (germline): Likely pathogenic (1 of 4 stars; one submission).

Conditions:
Autosomal recessive nonsyndromic hearing loss 2. Also called: DEAFNESS, AUTOSOMAL RECESSIVE 2; NEUROSENSORY NONSYNDROMIC RECESSIVE DEAFNESS 2. Identifiers: Orphanet 90636, MedGen C1838701, MONDO:0010807, OMIM 600060.
Autosomal dominant nonsyndromic hearing loss 11. Identifiers: Orphanet 90635, MedGen C1832475, MONDO:0011032, OMIM 601317.
Usher syndrome type 1 (USH1). Also called: RETINITIS PIGMENTOSA AND CONGENITAL DEAFNESS. Identifiers: Orphanet 231169, Orphanet 886, MedGen C1568247, MONDO:0010168, OMIM 276900.

Submission:

Juno Genomics, Hangzhou Juno Genomics, Inc
Classification: Likely pathogenic for Autosomal dominant nonsyndromic hearing loss 11; Autosomal recessive nonsyndromic hearing loss 2; Usher syndrome type 1. Review status: criteria provided, single submitter. Criteria: ACMG Guidelines, 2015. Collection method: clinical testing. Allele origin: germline.
Comment: Null variant in a gene where loss of function (LOF) is a known mechanism of disease.;Absent from controls (or at extremely low frequency if recessive) in Genome Aggregation Database.

NM_000260.4(MYO7A):c.1690+1G>C

Gene: MYO7A (myosin VIIA; plus strand). Cytogenetic location: 11q13.5.
Variant type: single nucleotide variant.
Coding change: c.1690+1G>C on transcript NM_000260.4 (MANE Select); the canonical splice donor site of the intron after coding-DNA position 1690, G replaced by C.
Molecular consequence: splice donor variant.
Genome position (GRCh38, 1-based): chr11:77,162,989, G>C. VCF-style: chr11-77162989-G-C. GRCh37 (hg19) VCF-style: chr11-76874035-G-C.
Other names: c.1657+1G>C (NM_001369365.1); c.1690+1G>C (NM_001127180.2).
Identifiers: ClinVar variation 5004991 (VCV005004991.2).